The following is an entry in ClinVar:

NM_006766.5(KAT6A):c.4250A>G (p.His1417Arg)

Gene: KAT6A (lysine acetyltransferase 6A; minus strand). Cytogenetic location: 8p11.21.
Variant type: single nucleotide variant.
Coding change: c.4250A>G on transcript NM_006766.5 (MANE Select); coding-DNA position 4250, A replaced by G.
Protein change: p.His1417Arg; replaces histidine 1417 with arginine.
Molecular consequence: missense variant.
Genome position (GRCh38, 1-based): chr8:41,933,970, T>C on the plus strand (A>G on the coding strand, the complement: KAT6A is on the minus strand). VCF-style: chr8-41933970-T-C. GRCh37 (hg19) VCF-style: chr8-41791488-T-C.
Other names: short protein forms H1417R.
Identifiers: ClinVar variation 2964514 (VCV002964514.3), dbSNP rs781267577, ClinGen allele CA4729514.

ClinVar aggregate classification (germline): Uncertain significance (1 of 4 stars; one submission).

Allele frequency attached by ClinVar (database versions not stated): ExAC 0.00001; gnomAD exomes 0.00001.

Submission:

Labcorp Genetics (formerly Invitae), Labcorp
Classification: Uncertain significance. Last evaluated: 2024-06-25. Review status: criteria provided, single submitter. Criteria: Invitae Variant Classification Sherloc (09022015). Collection method: clinical testing. Allele origin: germline.
Comment: This sequence change replaces histidine, which is basic and polar, with arginine, which is basic and polar, at codon 1417 of the KAT6A protein (p.His1417Arg). This variant is present in population databases (rs781267577, gnomAD 0.002%). This variant has not been reported in the literature in individuals affected with KAT6A-related conditions. Experimental studies and prediction algorithms are not available or were not evaluated, and the functional significance of this variant is currently unknown. In summary, the available evidence is currently insufficient to determine the role of this variant in disease. Therefore, it has been classified as a Variant of Uncertain Significance.